The following is an entry in ClinVar:

ClinVar aggregate classification (germline): Pathogenic (1 of 4 stars; one submission).

Conditions:
Autosomal recessive severe congenital neutropenia due to CSF3R deficiency. Also called: Neutropenia, severe congenital, 7, autosomal recessive. Identifiers: Orphanet 420702, MedGen C4310764, MONDO:0014865, OMIM 617014.

Submission:

Labcorp Genetics (formerly Invitae), Labcorp
Classification: Pathogenic for Autosomal recessive severe congenital neutropenia due to CSF3R deficiency. Last evaluated: 2021-12-08. Review status: criteria provided, single submitter. Criteria: Invitae Variant Classification Sherloc (09022015). Collection method: clinical testing. Allele origin: germline.
Comment: This variant is not present in population databases (gnomAD no frequency). This sequence change creates a premature translational stop signal (p.Gln257*) in the CSF3R gene. It is expected to result in an absent or disrupted protein product. Loss-of-function variants in CSF3R are known to be pathogenic (PMID: 24753537, 26324699). This variant has not been reported in the literature in individuals affected with CSF3R-related conditions. For these reasons, this variant has been classified as Pathogenic. Algorithms developed to predict the effect of sequence changes on RNA splicing suggest that this variant may create or strengthen a splice site.

Literature cited by the submitters: PubMed 24753537; PubMed 26324699.

NM_000760.4(CSF3R):c.769C>T (p.Gln257Ter)

Gene: CSF3R (colony stimulating factor 3 receptor; minus strand). Cytogenetic location: 1p34.3.
Variant type: single nucleotide variant.
Coding change: c.769C>T on transcript NM_000760.4 (MANE Select); coding-DNA position 769, C replaced by T.
Protein change: p.Gln257Ter; replaces glutamine 257 with a stop codon.
Molecular consequence: nonsense.
Genome position (GRCh38, 1-based): chr1:36,472,591, G>A on the plus strand (C>T on the coding strand, the complement: CSF3R is on the minus strand). VCF-style: chr1-36472591-G-A. GRCh37 (hg19) VCF-style: chr1-36938192-G-A.
Other names: c.769C>T, p.Gln257Ter (NM_156039.3, NM_172313.3); short protein forms Q257*.
Identifiers: ClinVar variation 1990606 (VCV001990606.4), dbSNP rs2521795034, ClinGen allele CA339422934.
Genomic context (GRCh38, chr1:36,472,591, plus strand): 5'-CTTCTCCACGCTGCGGCTTGTGGCGCAGCTCACACTTCTGATTTATGTGCAGGCCTGGCT[G>A]CCATGGCTCCCAGCACAGCTGTAGGCAGCCTGCCTGGGGAGGGGCCGCTTCAGGGCTGGG-3'